The following is an entry in ClinVar:

ClinVar aggregate classification (germline): Uncertain significance (1 of 4 stars; one submission).

Conditions:
Menkes kinky-hair syndrome (MNK). Also called: Copper transport disease; Classic Menkes Disease; Menkes Disease. Identifiers: Orphanet 565, MedGen C0022716, MONDO:0010651, OMIM 309400.
Cutis laxa, X-linked (OHS). Also called: EDS IX; Occipital horn syndrome. Identifiers: Orphanet 198, MedGen C0268353, MONDO:0010572, OMIM 304150.
X-linked distal spinal muscular atrophy type 3. Also called: SPINAL MUSCULAR ATROPHY, DISTAL, X-LINKED RECESSIVE; ATP7A-Related Distal Motor Neuropathy; NEURONOPATHY, DISTAL HEREDITARY MOTOR, X-LINKED; NEUROPATHY, DISTAL HEREDITARY MOTOR, X-LINKED. Identifiers: Orphanet 139557, MedGen C1845359, MONDO:0010338, OMIM 300489.

Submission:

Labcorp Genetics (formerly Invitae), Labcorp
Classification: Uncertain significance for X-linked distal spinal muscular atrophy type 3; Cutis laxa, X-linked; Menkes kinky-hair syndrome. Last evaluated: 2019-03-20. Review status: criteria provided, single submitter. Criteria: Invitae Variant Classification Sherloc (09022015). Collection method: clinical testing. Allele origin: germline.
Comment: This variant results in a copy number gain of the genomic region encompassing the full coding sequence of the ATP7A gene. The boundaries of this event are unknown as they extend beyond the assayed region for this gene and therefore may encompass additional genes. As the precise location of this event is unknown, it may be in tandem or it may be located elsewhere in the genome. This variant has not been reported in the literature in individuals with ATP7A-related conditions. In summary, the available evidence is currently insufficient to determine the role of this variant in disease. Therefore, it has been classified as a Variant of Uncertain Significance.

NC_000023.10:g.(?_77227108)_(77305902_?)dup

Gene: ATP7A (ATPase copper transporting alpha; plus strand). Cytogenetic location: Xq21.1.
Variant type: Duplication.
Identifiers: ClinVar variation 831040 (VCV000831040.3).